The following is an entry in ClinVar:

NM_004859.4(CLTC):c.4873C>G (p.Gln1625Glu)

Gene: CLTC (clathrin heavy chain; plus strand). Cytogenetic location: 17q23.1.
Variant type: single nucleotide variant.
Coding change: c.4873C>G on transcript NM_004859.4 (MANE Select); coding-DNA position 4873, C replaced by G.
Protein change: p.Gln1625Glu; replaces glutamine 1625 with glutamic acid.
Molecular consequence: missense variant.
Genome position (GRCh38, 1-based): chr17:59,690,681, C>G. VCF-style: chr17-59690681-C-G. GRCh37 (hg19) VCF-style: chr17-57768042-C-G.
Other names: c.4885C>G, p.Gln1629Glu (NM_001288653.2); short protein forms Q1625E, Q1629E.
Identifiers: ClinVar variation 1391032 (VCV001391032.8), dbSNP rs2143613611, ClinGen allele CA400424096.

ClinVar aggregate classification (germline): Uncertain significance (1 of 4 stars; one submission).

Submission:

Labcorp Genetics (formerly Invitae), Labcorp
Classification: Uncertain significance. Last evaluated: 2025-11-17. Review status: criteria provided, single submitter. Criteria: Invitae Variant Classification Sherloc (09022015). Collection method: clinical testing. Allele origin: germline.
Comment: This sequence change replaces glutamine, which is neutral and polar, with glutamic acid, which is acidic and polar, at codon 1629 of the CLTC protein (p.Gln1629Glu). This variant is not present in population databases (gnomAD no frequency). This variant has not been reported in the literature in individuals affected with CLTC-related conditions. ClinVar contains an entry for this variant (Variation ID: 1391032). Invitae Evidence Modeling of protein sequence and biophysical properties (such as structural, functional, and spatial information, amino acid conservation, physicochemical variation, residue mobility, and thermodynamic stability) indicates that this missense variant is not expected to disrupt CLTC protein function with a negative predictive value of 80%. In summary, the available evidence is currently insufficient to determine the role of this variant in disease. Therefore, it has been classified as a Variant of Uncertain Significance.